The following is an entry in ClinVar:

NM_000093.5(COL5A1):c.4267G>A (p.Gly1423Ser)

Gene: COL5A1 (collagen type V alpha 1 chain; plus strand). Cytogenetic location: 9q34.3.
Variant type: single nucleotide variant.
Coding change: c.4267G>A on transcript NM_000093.5 (MANE Select); coding-DNA position 4267, G replaced by A.
Protein change: p.Gly1423Ser; replaces glycine 1423 with serine.
Molecular consequence: missense variant.
Genome position (GRCh38, 1-based): chr9:134,818,692, G>A. VCF-style: chr9-134818692-G-A. GRCh37 (hg19) VCF-style: chr9-137710538-G-A.
Other names: c.4267G>A, p.Gly1423Ser (NM_001278074.1); short protein forms G1423S.
Identifiers: ClinVar variation 1200898 (VCV001200898.13), dbSNP rs370151534, ClinGen allele CA5320227.
Genomic context (GRCh38, chr9:134,818,692, plus strand): 5'-ATTCTGCCCTCCGCCGTCCTGCAGGGAGAAGCCGGCTTGGAAGGCCCTCCTGGGAAGACT[G>A]GCCCCATCGGCCCCCAGGGGGCCCCTGGGAAGCCCGGACCGGATGGCCTTCGAGGGATCC-3'
Protein context (NP_000084.3, residues 1413-1433): AGLEGPPGKT[Gly1423Ser]PIGPQGAPGK

ClinVar aggregate classification (germline): Uncertain significance. Review status: criteria provided, multiple submitters, no conflicts (2 of 4 stars). 3 submissions from 3 submitters: Uncertain significance (3). Last evaluated 2026-01-23.

Conditions:
Familial thoracic aortic aneurysm and aortic dissection (TAAD). Also called: Thoracic aortic aneurysms and dissections. Identifiers: Orphanet 91387, MedGen C4707243, MONDO:0019625.
Ehlers-Danlos syndrome, classic type, 1 (EDSCL1). Also called: EHLERS-DANLOS SYNDROME, GRAVIS TYPE; EHLERS-DANLOS SYNDROME, SEVERE CLASSIC TYPE; Ehlers-Danlos syndrome, type 1; Ehlers-Danlos Syndrome, Classic Type, COL5A1-Related; EDS I. Identifiers: MedGen C0268335, MONDO:0019567, OMIM 130000.

Allele frequency attached by ClinVar (database versions not stated): TOPMed 0.00001; gnomAD exomes below 0.00001; ExAC 0.00001; gnomAD 0.00001; ESP Exome Variant Server 0.00008.
gnomAD v4.1: 8 of 1,609,472 alleles (0.0005%); highest among the groups gnomAD compares: Non-Finnish European, 0.00059%; no homozygotes.

Submissions (3):

Labcorp Genetics (formerly Invitae), Labcorp
Classification: Uncertain significance for Ehlers-Danlos syndrome, classic type, 1. Last evaluated: 2026-01-23. Review status: criteria provided, single submitter. Criteria: Invitae Variant Classification Sherloc (09022015). Collection method: clinical testing. Allele origin: germline.
Comment: This sequence change replaces glycine, which is neutral and non-polar, with serine, which is neutral and polar, at codon 1423 of the COL5A1 protein (p.Gly1423Ser). The frequency data for this variant in the population databases is considered unreliable, as metrics indicate poor data quality at this position in the gnomAD database. This variant has not been reported in the literature in individuals affected with COL5A1-related conditions. ClinVar contains an entry for this variant (Variation ID: 1200898). Invitae Evidence Modeling of protein sequence and biophysical properties (such as structural, functional, and spatial information, amino acid conservation, physicochemical variation, residue mobility, and thermodynamic stability) indicates that this missense variant is expected to disrupt COL5A1 protein function with a positive predictive value of 95%. This variant disrupts the triple helix domain of COL5A1. Glycine residues within the Gly-Xaa-Yaa repeats of the triple helix domain are required for the structure and stability of fibrillar collagens (PMID: 7695699, 8218237, 19344236), and variants at these glycine residues in COL5A1 are more frequently observed in individuals with disease than in the general population (PMID: 22696272, 23587214). However, the clinical significance of this observation remains uncertain since only a limited number of affected individuals have been described to date. In summary, the available evidence is currently insufficient to determine the role of this variant in disease. Therefore, it has been classified as a Variant of Uncertain Significance.

Ambry Genetics
Classification: Uncertain significance for Familial thoracic aortic aneurysm and aortic dissection. Last evaluated: 2021-08-26. Review status: criteria provided, single submitter. Criteria: Ambry Variant Classification Scheme 2023. Collection method: clinical testing. Allele origin: germline.
Comment: The p.G1423S variant (also known as c.4267G>A), located in coding exon 55 of the COL5A1 gene, results from a G to A substitution at nucleotide position 4267. The glycine at codon 1423 is replaced by serine, an amino acid with similar properties. Internal structural analysis indicates that this alteration disrupts the characteristic G-X-Y motif of the triple helical domain in the COL5A1 protein and inserts a bulky side chain into a sterically-constrained region (Bella J et al. Science. 1994;266:75-81; Hohenester E et al. Proc. Natl. Acad. Sci.U.S.A. 2008;105:18273-7; Ambry internal data). Glycine substitutions in the triple helical domain of COL5A1 have been reported in association with classic Ehlers-Danlos syndrome (cEDS), but the number of affected individuals is limited and several other COL5A1 glycine substitutions in the triple helical domain (e.g., p.G1078A and p.G1414A) are too common for disease in population databases (Symoens S et al. Hum. Mutat., 2012 Oct;33:1485-93; Ritelli M et al. Orphanet J Rare Dis. 2013 Apr;8:58). This amino acid position is highly conserved in available vertebrate species. In addition, this alteration is predicted to be deleterious by in silico analysis. Since supporting evidence is limited at this time, the clinical significance of this alteration remains unclear.

GeneDx
Classification: Uncertain significance. Last evaluated: 2019-09-29. Review status: criteria provided, single submitter. Criteria: GeneDx Variant Classification Process June 2021. Collection method: clinical testing. Allele origin: germline. Affected: yes.
Comment: Not observed in large population cohorts (Lek et al., 2016); In silico analysis, which includes protein predictors and evolutionary conservation, supports a deleterious effect; Has not been previously published as pathogenic or benign to our knowledge

Literature cited by the submitters: PubMed 7695699 (cited by Labcorp Genetics (formerly Invitae), Labcorp); PubMed 8218237 (cited by Labcorp Genetics (formerly Invitae), Labcorp); PubMed 19344236 (cited by Labcorp Genetics (formerly Invitae), Labcorp); PubMed 22696272 (cited by Labcorp Genetics (formerly Invitae), Labcorp); PubMed 23587214 (cited by Labcorp Genetics (formerly Invitae), Labcorp).